The following is an entry in ClinVar:

ClinVar aggregate classification (germline): Conflicting classifications of pathogenicity. Review status: criteria provided, conflicting classifications (1 of 4 stars). 4 submissions from 4 submitters: Uncertain significance (3); Benign (1). Last evaluated 2026-05-04.

Conditions:
Myofibrillar myopathy 5. Also called: FILAMINOPATHY, AUTOSOMAL DOMINANT; Filaminopathy (type). Identifiers: Orphanet 171445, MedGen C1836050, MONDO:0012289, OMIM 609524.
Hypertrophic cardiomyopathy 26. Also called: Cardiomyopathy, familial hypertrophic, 26. Identifiers: Orphanet 75249, MedGen C4310749, MONDO:0014883, OMIM 617047.
Distal myopathy with posterior leg and anterior hand involvement. Also called: WILLIAMS DISTAL MYOPATHY. Identifiers: Orphanet 63273, MedGen C3279722, MONDO:0013550, OMIM 614065.
FLNC-related disorder. Also called: FLNC-related disorders; FLNC-related condition.
Cardiovascular phenotype. Identifiers: MedGen CN230736.

Allele frequency attached by ClinVar (database versions not stated): gnomAD exomes 0.00003 and 0.00012; TOPMed 0.00003; gnomAD 0.00004 and 0.00009; ExAC 0.00006; 1000 Genomes Project 30x 0.00047; 1000 Genomes Project 0.00060.
gnomAD v4.1: 183 of 1,612,576 alleles (0.011%); highest among the groups gnomAD compares: East Asian, 0.37%; 1 homozygote.

Submissions (4):

PreventionGenetics, part of Exact Sciences
Classification: Uncertain significance for FLNC-related condition. Last evaluated: 2026-05-04. Review status: criteria provided, single submitter. Criteria: ACMG Guidelines, 2015. Collection method: clinical testing. Allele origin: germline.
Comment: The FLNC c.6977G>A variant is predicted to result in the amino acid substitution p.Arg2326Gln. This variant has been reported in cohort study of individuals with hypertrophic cardiomyopathy (Oktay et al. 2023. PubMed ID: 37466024). This variant is reported in 0.031% of alleles in individuals of East Asian descent in gnomAD. At this time, the clinical significance of this variant is uncertain due to the absence of conclusive functional and genetic evidence.

Labcorp Genetics (formerly Invitae), Labcorp
Classification: Benign for Distal myopathy with posterior leg and anterior hand involvement; Myofibrillar myopathy 5; Hypertrophic cardiomyopathy 26. Last evaluated: 2025-11-24. Review status: criteria provided, single submitter. Criteria: Invitae Variant Classification Sherloc (09022015). Collection method: clinical testing. Allele origin: germline.

Ambry Genetics
Classification: Uncertain significance for Cardiovascular phenotype. Last evaluated: 2025-07-15. Review status: criteria provided, single submitter. Criteria: Ambry Variant Classification Scheme 2023. Collection method: clinical testing. Allele origin: germline.
Comment: The p.R2326Q variant (also known as c.6977G>A), located in coding exon 41 of the FLNC gene, results from a G to A substitution at nucleotide position 6977. The arginine at codon 2326 is replaced by glutamine, an amino acid with highly similar properties. This amino acid position is highly conserved in available vertebrate species. In addition, the in silico prediction for this alteration is inconclusive. Since supporting evidence is limited at this time, the clinical significance of this alteration remains unclear.

GeneDx
Classification: Uncertain significance. Last evaluated: 2023-12-21. Review status: criteria provided, single submitter. Criteria: GeneDx Variant Classification Process June 2021. Collection method: clinical testing. Allele origin: germline. Affected: yes.
Comment: In silico analysis supports that this missense variant has a deleterious effect on protein structure/function; This variant is associated with the following publications: (PMID: 37466024)

Literature cited by the submitters: PubMed 37466024 (cited by Ambry Genetics).

NM_001458.5(FLNC):c.6977G>A (p.Arg2326Gln)

Genes: FLNC-AS1 (FLNC antisense RNA 1; minus strand), FLNC (filamin C; plus strand). Cytogenetic location: 7q32.1.
Variant type: single nucleotide variant.
Coding change: c.6977G>A on transcript NM_001458.5 (MANE Select); coding-DNA position 6977, G replaced by A.
Protein change: p.Arg2326Gln; replaces arginine 2326 with glutamine.
Molecular consequence: missense variant.
Genome position (GRCh38, 1-based): chr7:128,854,662, G>A. VCF-style: chr7-128854662-G-A. GRCh37 (hg19) VCF-style: chr7-128494716-G-A.
Other names: c.6878G>A, p.Arg2293Gln (NM_001127487.2); short protein forms R2326Q, R2293Q.
Identifiers: ClinVar variation 472154 (VCV000472154.11), dbSNP rs201028676, ClinGen allele CA4476121.